The following is an entry in ClinVar:

NM_000184.3(HBG2):c.74G>A (p.Gly25Glu)

Genes: HBG2 (hemoglobin subunit gamma 2; minus strand), LOC106099065 (HBG2 recombination region; plus strand). Cytogenetic location: 11p15.4.
Variant type: single nucleotide variant.
Coding change: c.74G>A on transcript NM_000184.3 (MANE Select); coding-DNA position 74, G replaced by A.
Protein change: p.Gly25Glu; replaces glycine 25 with glutamic acid.
Molecular consequence: missense variant.
Genome position (GRCh38, 1-based): chr11:5,254,655, C>T on the plus strand (G>A on the coding strand, the complement: HBG2 is on the minus strand). VCF-style: chr11-5254655-C-T. GRCh37 (hg19) VCF-style: chr11-5275885-C-T.
Other names: short protein forms G25E.
Identifiers: ClinVar variation 3252956 (VCV003252956.1), dbSNP rs1847998863.

ClinVar aggregate classification (germline): Uncertain significance (1 of 4 stars; one submission).

Allele frequency attached by ClinVar (database versions not stated): TOPMed below 0.00001.

Submission:

GeneDx
Classification: Uncertain significance. Last evaluated: 2023-07-05. Review status: criteria provided, single submitter. Criteria: GeneDx Variant Classification Process June 2021. Collection method: clinical testing. Allele origin: germline. Affected: yes.
Comment: Identified in an individual with hemolytic anemia in published literature, but this individual also carried a second variant in the HBG2 gene (Semkiu et al., 2020); In silico analysis supports that this missense variant has a deleterious effect on protein structure/function; Not observed at significant frequency in large population cohorts (gnomAD); This variant is associated with the following publications: (PMID: 31985299)